The following is an entry in ClinVar:

ClinVar aggregate classification (germline): Uncertain significance (1 of 4 stars; one submission).

Conditions:
Idiopathic generalized epilepsy. Also called: EIG; Generalised epilepsy. Identifiers: MedGen C0270850, MONDO:0005579, OMIM 600669.

Allele frequency attached by ClinVar (database versions not stated): ExAC 0.00001.
gnomAD v4.1: 14 of 1,614,100 alleles (0.00087%); highest among the groups gnomAD compares: Non-Finnish European, 0.0012%; no homozygotes.

Submission:

Labcorp Genetics (formerly Invitae), Labcorp
Classification: Uncertain significance for Idiopathic generalized epilepsy. Last evaluated: 2018-10-16. Review status: criteria provided, single submitter. Criteria: Invitae Variant Classification Sherloc (09022015). Collection method: clinical testing. Allele origin: germline.
Comment: This sequence change replaces threonine with arginine at codon 62 of the RBFOX1 protein (p.Thr62Arg). The threonine residue is moderately conserved and there is a moderate physicochemical difference between threonine and arginine. This variant is present in population databases (rs146499343, ExAC 0.001%). This variant has not been reported in the literature in individuals with RBFOX1-related disease. Algorithms developed to predict the effect of missense changes on protein structure and function are either unavailable or do not agree on the potential impact of this missense change (SIFT: "Deleterious"; PolyPhen-2: "Possibly Damaging"; Align-GVGD: "Class C0"). Algorithms developed to predict the effect of sequence changes on RNA splicing suggest that this variant may create or strengthen a splice site, but this prediction has not been confirmed by published transcriptional studies. In summary, the available evidence is currently insufficient to determine the role of this variant in disease. Therefore, it has been classified as a Variant of Uncertain Significance.

NM_018723.4(RBFOX1):c.125C>G (p.Thr42Arg)

Gene: RBFOX1 (RNA binding fox-1 homolog 1; plus strand). Cytogenetic location: 16p13.3.
Variant type: single nucleotide variant.
Coding change: c.125C>G on transcript NM_018723.4 (MANE Select); coding-DNA position 125, C replaced by G.
Protein change: p.Thr42Arg; replaces threonine 42 with arginine.
Molecular consequence: missense variant.
Genome position (GRCh38, 1-based): chr16:7,518,244, C>G. VCF-style: chr16-7518244-C-G. GRCh37 (hg19) VCF-style: chr16-7568246-C-G.
Other names: c.125C>G, p.Thr42Arg (NM_001142333.2, NM_001142334.2, NM_001364800.2); c.254C>G, p.Thr85Arg (NM_001308117.1); c.185C>G, p.Thr62Arg (NM_145891.3, NM_145892.3, NM_145893.3); short protein forms T42R, T62R, T85R.
Identifiers: ClinVar variation 649097 (VCV000649097.1), dbSNP rs146499343, ClinGen allele CA7891324.